The following is an entry in ClinVar:

NM_015202.5(KATNIP):c.4148G>A (p.Ser1383Asn)

Gene: KATNIP (katanin interacting protein; plus strand). Cytogenetic location: 16p12.1.
Variant type: single nucleotide variant.
Coding change: c.4148G>A on transcript NM_015202.5 (MANE Select); coding-DNA position 4148, G replaced by A.
Protein change: p.Ser1383Asn; replaces serine 1383 with asparagine.
Molecular consequence: missense variant.
Genome position (GRCh38, 1-based): chr16:27,771,602, G>A. VCF-style: chr16-27771602-G-A. GRCh37 (hg19) VCF-style: chr16-27782923-G-A.
Other names: short protein forms S1383N.
Identifiers: ClinVar variation 1925960 (VCV001925960.5), dbSNP rs781104655, ClinGen allele CA7978521.

ClinVar aggregate classification (germline): Uncertain significance (1 of 4 stars; one submission).

Allele frequency attached by ClinVar (database versions not stated): ExAC 0.00001.
gnomAD v4.1: 12 of 1,613,312 alleles (0.00074%); highest among the groups gnomAD compares: East Asian, 0.0022%; no homozygotes.

Submission:

Labcorp Genetics (formerly Invitae), Labcorp
Classification: Uncertain significance. Last evaluated: 2022-04-08. Review status: criteria provided, single submitter. Criteria: Invitae Variant Classification Sherloc (09022015). Collection method: clinical testing. Allele origin: germline.
Comment: Algorithms developed to predict the effect of missense changes on protein structure and function output the following: SIFT: "Tolerated"; PolyPhen-2: "Benign"; Align-GVGD: "Class C0". The asparagine amino acid residue is found in multiple mammalian species, which suggests that this missense change does not adversely affect protein function. In summary, the available evidence is currently insufficient to determine the role of this variant in disease. Therefore, it has been classified as a Variant of Uncertain Significance. This variant has not been reported in the literature in individuals affected with KIAA0556-related conditions. This variant is present in population databases (rs781104655, gnomAD 0.006%). This sequence change replaces serine, which is neutral and polar, with asparagine, which is neutral and polar, at codon 1383 of the KIAA0556 protein (p.Ser1383Asn).